The following is an entry in ClinVar:

NM_014991.6(WDFY3):c.7397A>G (p.Gln2466Arg)

Gene: WDFY3 (WD repeat and FYVE domain containing 3; minus strand). Cytogenetic location: 4q21.23.
Variant type: single nucleotide variant.
Coding change: c.7397A>G on transcript NM_014991.6 (MANE Select); coding-DNA position 7397, A replaced by G.
Protein change: p.Gln2466Arg; replaces glutamine 2466 with arginine.
Molecular consequence: missense variant.
Genome position (GRCh38, 1-based): chr4:84,724,470, T>C on the plus strand (A>G on the coding strand, the complement: WDFY3 is on the minus strand). VCF-style: chr4-84724470-T-C. GRCh37 (hg19) VCF-style: chr4-85645623-T-C.
Other names: c.7397A>G (NM_014991.4); short protein forms Q2466R.
Identifiers: ClinVar variation 624015 (VCV000624015.44), dbSNP rs766497180, ClinGen allele CA2992622.

ClinVar aggregate classification (germline): Uncertain significance. Review status: criteria provided, multiple submitters, no conflicts (2 of 4 stars). 3 submissions from 3 submitters: Uncertain significance (3). Last evaluated 2025-06-06.

Conditions:
Inborn genetic diseases. Identifiers: MedGen C0950123, MeSH D030342.

Allele frequency attached by ClinVar (database versions not stated): gnomAD exomes below 0.00001; ExAC 0.00001; TOPMed 0.00001; gnomAD 0.00003.
gnomAD v4.1: 6 of 1,613,992 alleles (0.00037%); highest among the groups gnomAD compares: Non-Finnish European, 0.00051%; no homozygotes.

Submissions (3):

Ambry Genetics
Classification: Uncertain significance for Inborn genetic diseases. Last evaluated: 2025-06-06. Review status: criteria provided, single submitter. Criteria: Ambry Variant Classification Scheme 2023. Collection method: clinical testing. Allele origin: germline.

Women's Health and Genetics/Laboratory Corporation of America, LabCorp
Classification: Uncertain significance. Last evaluated: 2024-12-27. Review status: criteria provided, single submitter. Criteria: LabCorp Variant Classification Summary - May 2015. Collection method: clinical testing. Allele origin: germline.
Comment: Variant summary: WDFY3 c.7397A>G (p.Gln2466Arg) results in a conservative amino acid change in the encoded protein sequence. Four of five in-silico tools predict a benign effect of the variant on protein function. The variant allele was found at a frequency of 4e-06 in 251200 control chromosomes. The available data on variant occurrences in the general population are insufficient to allow any conclusion about variant significance. To our knowledge, no occurrence of c.7397A>G in individuals affected with Microcephaly 18, Primary, Autosomal Dominant and no experimental evidence demonstrating its impact on protein function have been reported. ClinVar contains an entry for this variant (Variation ID: 624015). Based on the evidence outlined above, the variant was classified as uncertain significance.

CeGaT Center for Human Genetics Tuebingen
Classification: Uncertain significance. Last evaluated: 2018-08-01. Review status: criteria provided, single submitter. Criteria: CeGaT Center For Human Genetics Tuebingen Variant Classification Criteria Version 2. Collection method: clinical testing. Allele origin: germline. Affected: yes. Observed: 2 variant alleles.